The following is an entry in ClinVar:

ClinVar aggregate classification (germline): Conflicting classifications of pathogenicity. Review status: criteria provided, conflicting classifications (1 of 4 stars). 5 submissions from 5 submitters: Uncertain significance (3); Likely benign (1). 1 of the submissions does not count toward it. Last evaluated 2024-03-01.

Conditions:
Alport syndrome. Also called: Hemorrhagic familial nephritis; Hemorrhagic hereditary nephritis; Congenital hereditary hematuria. Identifiers: Orphanet 63, MedGen C1567741, MONDO:0018965.
Autosomal recessive Alport syndrome (ATS2). Also called: Alport syndrome type 2; ALPORT SYNDROME 2, AUTOSOMAL RECESSIVE; COL4A3-Related Nephropathy; COL4A4 Alport Syndrome and Thin Basement Membrane Nephropathy. Identifiers: Orphanet 63, Orphanet 88919, MedGen C4746745, MONDO:0008762, OMIM 203780.
Benign familial hematuria. Also called: thin basement membrane disease. Identifiers: MedGen C0241908, MONDO:0957317.

Allele frequency attached by ClinVar (database versions not stated): gnomAD exomes 0.00003 and 0.00001; gnomAD 0.00008 and 0.00009; ExAC 0.00003; ESP Exome Variant Server 0.00008; TOPMed 0.00003.

Submissions (5):

Labcorp Genetics (formerly Invitae), Labcorp
Classification: Likely benign. Last evaluated: 2024-03-01. Review status: criteria provided, single submitter. Criteria: Invitae Variant Classification Sherloc (09022015). Collection method: clinical testing. Allele origin: germline.

Fulgent Genetics
Classification: Uncertain significance for Hematuria, benign familial, 1; Autosomal recessive Alport syndrome. Last evaluated: 2021-12-10. Review status: criteria provided, single submitter. Criteria: ACMG Guidelines, 2015. Collection method: clinical testing. Allele origin: unknown.

GeneDx
Classification: Uncertain significance. Last evaluated: 2020-02-27. Review status: criteria provided, single submitter. Criteria: GeneDx Variant Classification Process June 2021. Collection method: clinical testing. Allele origin: germline. Affected: yes.
Comment: In silico analysis, which includes protein predictors and evolutionary conservation, supports that this variant does not alter protein structure/function; Occurs in the triple helical domain at the X position in the canonical Gly-X-Y repeat; although this variant may have an effect on normal protein folding and function, missense substitution at the X position is not a common mechanism of disease; Has not been previously published as pathogenic or benign to our knowledge

Illumina Laboratory Services, Illumina
Classification: Uncertain significance for Alport syndrome. Last evaluated: 2018-01-13. Review status: criteria provided, single submitter. Criteria: ICSL Variant Classification Criteria 13 December 2019. Collection method: clinical testing. Allele origin: germline.

Natera, Inc.
Classification: Uncertain significance for Alport syndrome. Last evaluated: 2020-09-24. Review status: no assertion criteria provided. Collection method: clinical testing. Allele origin: germline. Not counted in ClinVar's aggregate classification.

NM_000092.5(COL4A4):c.1664C>T (p.Ala555Val)

Gene: COL4A4 (collagen type IV alpha 4 chain; minus strand). Cytogenetic location: 2q36.3.
Variant type: single nucleotide variant.
Coding change: c.1664C>T on transcript NM_000092.5 (MANE Select); coding-DNA position 1664, C replaced by T.
Protein change: p.Ala555Val; replaces alanine 555 with valine.
Molecular consequence: missense variant.
Genome position (GRCh38, 1-based): chr2:227,082,147, G>A on the plus strand (C>T on the coding strand, the complement: COL4A4 is on the minus strand). VCF-style: chr2-227082147-G-A. GRCh37 (hg19) VCF-style: chr2-227946863-G-A.
Other names: short protein forms A555V.
Identifiers: ClinVar variation 895777 (VCV000895777.16), dbSNP rs371066387, ClinGen allele CA2145103.